The following is an entry in ClinVar:

NM_032861.4(SERAC1):c.1396A>G (p.Met466Val)

Gene: SERAC1 (serine active site containing 1; minus strand). Cytogenetic location: 6q25.3.
Variant type: single nucleotide variant.
Coding change: c.1396A>G on transcript NM_032861.4 (MANE Select); coding-DNA position 1396, A replaced by G.
Protein change: p.Met466Val; replaces methionine 466 with valine.
Molecular consequence: missense variant.
Genome position (GRCh38, 1-based): chr6:158,117,734, T>C on the plus strand (A>G on the coding strand, the complement: SERAC1 is on the minus strand). VCF-style: chr6-158117734-T-C. GRCh37 (hg19) VCF-style: chr6-158538766-T-C.
Other names: short protein forms M466V.
Identifiers: ClinVar variation 2170630 (VCV002170630.4), dbSNP rs115459512, ClinGen allele CA4071111.
Genomic context (GRCh38, chr6:158,117,734, plus strand): 5'-ACTTGCGGCCTGAATTCTTCCCTGTCCTCCTGGTCTAAAGTCGCCTCTGTTACCTTTCCA[T>C]AGGGCACCTTGCTCTCCAGTCGCTGAGGCTGGTGTCATACTCCACAGATATAATTCGGAG-3'
Protein context (NP_116250.3, residues 456-476): SLSDWRARCP[Met466Val]ERKSIAFRSN

ClinVar aggregate classification (germline): Uncertain significance (1 of 4 stars; one submission).

Conditions:
3-methylglutaconic aciduria with deafness, encephalopathy, and Leigh-like syndrome (MEGDEL). Also called: 3-METHYLGLUTACONIC ACIDURIA, TYPE VI; SERAC1 Deficiency; MEGDEL syndrome. Identifiers: Orphanet 352328, MedGen C4040739, MONDO:0013875, OMIM 614739.

gnomAD v4.1: 24 of 1,614,090 alleles (0.0015%); highest among the groups gnomAD compares: African/African-American, 0.028%; no homozygotes.

Submission:

Labcorp Genetics (formerly Invitae), Labcorp
Classification: Uncertain significance for 3-methylglutaconic aciduria with deafness, encephalopathy, and Leigh-like syndrome. Last evaluated: 2022-01-17. Review status: criteria provided, single submitter. Criteria: Invitae Variant Classification Sherloc (09022015). Collection method: clinical testing. Allele origin: germline.
Comment: In summary, the available evidence is currently insufficient to determine the role of this variant in disease. Therefore, it has been classified as a Variant of Uncertain Significance. Algorithms developed to predict the effect of missense changes on protein structure and function output the following: SIFT: "Tolerated"; PolyPhen-2: "Benign"; Align-GVGD: "Class C0". The valine amino acid residue is found in multiple mammalian species, which suggests that this missense change does not adversely affect protein function. This variant has not been reported in the literature in individuals affected with SERAC1-related conditions. This variant is present in population databases (rs115459512, gnomAD 0.03%). This sequence change replaces methionine, which is neutral and non-polar, with valine, which is neutral and non-polar, at codon 466 of the SERAC1 protein (p.Met466Val).